The following is an entry in ClinVar:

NM_018136.5(ASPM):c.577C>T (p.Gln193Ter)

Gene: ASPM (assembly factor for spindle microtubules; minus strand). Cytogenetic location: 1q31.3.
Variant type: single nucleotide variant.
Coding change: c.577C>T on transcript NM_018136.5 (MANE Select); coding-DNA position 577, C replaced by T.
Protein change: p.Gln193Ter; replaces glutamine 193 with a stop codon.
Molecular consequence: nonsense.
Genome position (GRCh38, 1-based): chr1:197,143,675, G>A on the plus strand (C>T on the coding strand, the complement: ASPM is on the minus strand). VCF-style: chr1-197143675-G-A. GRCh37 (hg19) VCF-style: chr1-197112805-G-A.
Other names: c.577C>T, p.Gln193Ter (NM_001206846.2); short protein forms Q193*.
Identifiers: ClinVar variation 21592 (VCV000021592.13), dbSNP rs199422134, ClinGen allele CA342262.
Genomic context (GRCh38, chr1:197,143,675, plus strand): 5'-TTAAAGAATTGTTTTCTGTTGGGGGACCGCCTTCATTCATAGCCAAGTTTTCACAAGCTT[G>A]TAGTGGGCTCCTAACTCTGTCAACTTTTTGGGAAACACTAAATGTTTTATTAACATTCTG-3'

ClinVar aggregate classification (germline): Pathogenic/Likely pathogenic. Review status: criteria provided, multiple submitters, no conflicts (2 of 4 stars). 4 submissions from 4 submitters: Pathogenic (1); Likely pathogenic (2). 1 of the submissions does not count toward it. Last evaluated 2023-09-30.

Conditions:
Microcephaly 5, primary, autosomal recessive (MCPH5). Also called: ASPM Primary Microcephaly. Identifiers: Orphanet 2512, MedGen C1837501, MONDO:0012106, OMIM 608716.

Submissions (4):

Labcorp Genetics (formerly Invitae), Labcorp
Classification: Pathogenic. Last evaluated: 2023-09-30. Review status: criteria provided, single submitter. Criteria: Invitae Variant Classification Sherloc (09022015). Collection method: clinical testing. Allele origin: germline.
Comment: This sequence change creates a premature translational stop signal (p.Gln193*) in the ASPM gene. It is expected to result in an absent or disrupted protein product. Loss-of-function variants in ASPM are known to be pathogenic (PMID: 19028728, 23611254). This variant is not present in population databases (gnomAD no frequency). This premature translational stop signal has been observed in individual(s) with autosomal recessive primary microcephaly (PMID: 19028728). ClinVar contains an entry for this variant (Variation ID: 21592). For these reasons, this variant has been classified as Pathogenic.

Genetic Services Laboratory, University of Chicago
Classification: Likely pathogenic for Microcephaly 5, primary, autosomal recessive. Last evaluated: 2015-01-09. Review status: criteria provided, single submitter. Criteria: ACMG Guidelines, 2015. Collection method: clinical testing. Allele origin: germline. Affected: yes.

Juno Genomics, Hangzhou Juno Genomics, Inc
Classification: Likely pathogenic for Microcephaly 5, primary, autosomal recessive. Review status: criteria provided, single submitter. Criteria: ACMG Guidelines, 2015. Collection method: clinical testing. Allele origin: germline.
Comment: Null variant in a gene where loss of function (LOF) is a known mechanism of disease.;Absent from controls (or at extremely low frequency if recessive) in Genome Aggregation Database.

GeneReviews
No classification provided. Condition: Microcephaly 5, primary, autosomal recessive. Review status: no classification provided. Collection method: literature only. Allele origin: unknown. Not counted in ClinVar's aggregate classification.

Literature cited by the submitters: PubMed 19028728 (cited by Labcorp Genetics (formerly Invitae), Labcorp); PubMed 23611254 (cited by Labcorp Genetics (formerly Invitae), Labcorp); PubMed 20301772 (cited by GeneReviews); NCBI Bookshelf NBK9587 (cited by GeneReviews).